The following is an entry in ClinVar:

NM_000059.4(BRCA2):c.3662C>G (p.Ser1221Cys)

Gene: BRCA2 (BRCA2 DNA repair associated; plus strand). Cytogenetic location: 13q13.1.
Variant type: single nucleotide variant.
Coding change: c.3662C>G on transcript NM_000059.4 (MANE Select); coding-DNA position 3662, C replaced by G.
Protein change: p.Ser1221Cys; replaces serine 1221 with cysteine.
Molecular consequence: missense variant.
Genome position (GRCh38, 1-based): chr13:32,338,017, C>G. VCF-style: chr13-32338017-C-G. GRCh37 (hg19) VCF-style: chr13-32912154-C-G.
Other names: c.3662C>G, p.Ser1221Cys (NM_001406719.1, NM_001406720.1); short protein forms S1221C.
Identifiers: ClinVar variation 2118307 (VCV002118307.6), dbSNP rs397507313, ClinGen allele CA387777977.

ClinVar aggregate classification (germline): Conflicting classifications of pathogenicity. Review status: criteria provided, conflicting classifications (1 of 4 stars). 2 submissions from 2 submitters: Uncertain significance (1); Likely benign (1). Last evaluated 2023-03-23.

Conditions:
Hereditary cancer-predisposing syndrome. Also called: Neoplastic Syndromes, Hereditary; Tumor predisposition; Hereditary Cancer Syndrome; Hereditary neoplastic syndrome. Identifiers: Orphanet 140162, MedGen C0027672, MeSH D009386, MONDO:0015356.
Hereditary breast ovarian cancer syndrome. Also called: Hereditary breast and ovarian cancer syndrome; Hereditary breast and ovarian cancer; Hereditary breast and ovarian cancer syndrome (HBOC); Hereditary breast and/or ovarian cancer syndrome; Breast and ovarian cancer; BRCA1- and BRCA2-Associated Hereditary Breast and Ovarian Cancer. Identifiers: Orphanet 145, MedGen C0677776, MeSH D061325, MONDO:0003582. Disease mechanism: loss of function.

Submissions (2):

University of Washington Department of Laboratory Medicine, University of Washington
Classification: Likely benign for Hereditary cancer-predisposing syndrome. Last evaluated: 2023-03-23. Review status: criteria provided, single submitter. Criteria: Dines et al. (Genet Med. 2020). Collection method: curation. Allele origin: germline.
Comment: Missense variant in a coldspot region where missense variants are very unlikely to be pathogenic (PMID:31911673).

BRCA2 exon 11 coldspot. Reclassification based on statistical prior probability.

Labcorp Genetics (formerly Invitae), Labcorp
Classification: Uncertain significance for Hereditary breast ovarian cancer syndrome. Last evaluated: 2022-07-29. Review status: criteria provided, single submitter. Criteria: Invitae Variant Classification Sherloc (09022015). Collection method: clinical testing. Allele origin: germline.
Comment: In summary, the available evidence is currently insufficient to determine the role of this variant in disease. Therefore, it has been classified as a Variant of Uncertain Significance. Advanced modeling of protein sequence and biophysical properties (such as structural, functional, and spatial information, amino acid conservation, physicochemical variation, residue mobility, and thermodynamic stability) performed at Invitae indicates that this missense variant is not expected to disrupt BRCA2 protein function. This variant has not been reported in the literature in individuals affected with BRCA2-related conditions. This variant is not present in population databases (gnomAD no frequency). This sequence change replaces serine, which is neutral and polar, with cysteine, which is neutral and slightly polar, at codon 1221 of the BRCA2 protein (p.Ser1221Cys).